The following is an entry in ClinVar:

NM_000179.3(MSH6):c.2834G>C (p.Arg945Thr)

Gene: MSH6 (mutS homolog 6; plus strand). Cytogenetic location: 2p16.3.
Variant type: single nucleotide variant.
Coding change: c.2834G>C on transcript NM_000179.3 (MANE Select); coding-DNA position 2834, G replaced by C.
Protein change: p.Arg945Thr; replaces arginine 945 with threonine.
Molecular consequence: missense variant. On other transcripts: non-coding transcript variant (5), intron variant (2).
Genome position (GRCh38, 1-based): chr2:47,800,817, G>C. VCF-style: chr2-47800817-G-C. GRCh37 (hg19) VCF-style: chr2-48027956-G-C.
Other names: c.2756G>C, p.Arg919Thr (NM_001406804.1); c.2537G>C, p.Arg846Thr (NM_001406805.1, NM_001406801.1, NM_001406825.1 and 10 more transcripts); c.2309G>C, p.Arg770Thr (NM_001406806.1, NM_001406799.1, NM_001406807.1); c.2834G>C, p.Arg945Thr (NM_001406808.1, NM_001406809.1, NM_001406800.1 and 2 more transcripts); c.1928G>C, p.Arg643Thr (NM_001406811.1, NM_001406812.1, NM_001406829.1 and 6 more transcripts); c.2840G>C, p.Arg947Thr (NM_001406813.1); c.2666G>C, p.Arg889Thr (NM_001406826.1); c.779G>C, p.Arg260Thr (NM_001407362.1); and 4 more; short protein forms R643T, R770T, R889T, R947T, R945T, R815T, R260T, R846T.
Identifiers: ClinVar variation 4111239 (VCV004111239.1).
Genomic context (GRCh38, chr2:47,800,817, plus strand): 5'-GACTTATTACTCCCAAAGCAGGCTTTGACTCTGATTATGACCAAGCTCTTGCTGACATAA[G>C]AGAAAATGAACAGAGCCTCCTGGAATACCTAGAGAAACAGCGCAACAGAATTGGCTGTAG-3'
Protein context (NP_000170.1, residues 935-955): SDYDQALADI[Arg945Thr]ENEQSLLEYL

ClinVar aggregate classification (germline): Uncertain significance (1 of 4 stars; one submission).

Conditions:
Hereditary cancer-predisposing syndrome. Also called: Tumor predisposition; Neoplastic Syndromes, Hereditary; Hereditary neoplastic syndrome; Hereditary Cancer Syndrome. Identifiers: Orphanet 140162, MedGen C0027672, MeSH D009386, MONDO:0015356.

gnomAD v4.1: 1 of 1,614,114 alleles (0.000062%); highest among the groups gnomAD compares: Non-Finnish European, 0.000085%; no homozygotes.

Submission:

Ambry Genetics
Classification: Uncertain significance for Hereditary cancer-predisposing syndrome. Last evaluated: 2025-08-30. Review status: criteria provided, single submitter. Criteria: Ambry Variant Classification Scheme 2023. Collection method: clinical testing. Allele origin: germline.
Comment: The p.R945T variant (also known as c.2834G>C), located in coding exon 4 of the MSH6 gene, results from a G to C substitution at nucleotide position 2834. The arginine at codon 945 is replaced by threonine, an amino acid with similar properties. This amino acid position is conserved. In addition, this alteration is predicted to be tolerated by in silico analysis. Based on the available evidence, the clinical significance of this variant remains unclear.